The following is an entry in ClinVar:

NM_000147.5(FUCA1):c.191G>A (p.Trp64Ter)

Gene: FUCA1 (alpha-L-fucosidase 1; minus strand). Cytogenetic location: 1p36.11.
Variant type: single nucleotide variant.
Coding change: c.191G>A on transcript NM_000147.5 (MANE Select); coding-DNA position 191, G replaced by A.
Protein change: p.Trp64Ter; replaces tryptophan 64 with a stop codon.
Molecular consequence: nonsense. On other transcripts: non-coding transcript variant (4).
Genome position (GRCh38, 1-based): chr1:23,868,096, C>T on the plus strand (G>A on the coding strand, the complement: FUCA1 is on the minus strand). VCF-style: chr1-23868096-C-T. GRCh37 (hg19) VCF-style: chr1-24194586-C-T.
Other names: short protein forms W64*.
Identifiers: ClinVar variation 3643896 (VCV003643896.2).

ClinVar aggregate classification (germline): Pathogenic (1 of 4 stars; one submission).

Conditions:
Fucosidosis. Also called: ALPHA-L-FUCOSIDASE DEFICIENCY. Identifiers: Orphanet 349, MedGen C0016788, MONDO:0009254, OMIM 230000.

Submission:

Labcorp Genetics (formerly Invitae), Labcorp
Classification: Pathogenic for Fucosidosis. Last evaluated: 2024-03-01. Review status: criteria provided, single submitter. Criteria: Invitae Variant Classification Sherloc (09022015). Collection method: clinical testing. Allele origin: germline.
Comment: This sequence change creates a premature translational stop signal (p.Trp64*) in the FUCA1 gene. It is expected to result in an absent or disrupted protein product. Loss-of-function variants in FUCA1 are known to be pathogenic (PMID: 10094192). This variant is not present in population databases (gnomAD no frequency). This variant has not been reported in the literature in individuals affected with FUCA1-related conditions. For these reasons, this variant has been classified as Pathogenic.

Literature cited by the submitters: PubMed 10094192.